The following is an entry in ClinVar:

NM_001286.5(CLCN6):c.945C>T (p.Gly315=)

Gene: CLCN6 (Cl-/H+ antiporter 6; plus strand). Cytogenetic location: 1p36.22.
Variant type: single nucleotide variant.
Coding change: c.945C>T on transcript NM_001286.5 (MANE Select); coding-DNA position 945, C replaced by T.
Protein change: p.Gly315=; no amino-acid change (glycine 315 retained).
Molecular consequence: synonymous variant. On other transcripts: non-coding transcript variant (1).
Genome position (GRCh38, 1-based): chr1:11,828,210, C>T. VCF-style: chr1-11828210-C-T. GRCh37 (hg19) VCF-style: chr1-11888267-C-T.
Other names: c.879C>T, p.Gly293= (NM_001256959.2).
Identifiers: ClinVar variation 2068490 (VCV002068490.4), dbSNP rs765120680, ClinGen allele CA596287.

ClinVar aggregate classification (germline): Uncertain significance (1 of 4 stars; one submission).

Allele frequency attached by ClinVar (database versions not stated): gnomAD exomes 0.00003; TOPMed 0.00003; ExAC 0.00004; gnomAD 0.00004.
gnomAD v4.1: 48 of 1,612,956 alleles (0.003%); highest among the groups gnomAD compares: Admixed American, 0.0067%; 1 homozygote.

Submission:

Labcorp Genetics (formerly Invitae), Labcorp
Classification: Uncertain significance. Last evaluated: 2025-02-25. Review status: criteria provided, single submitter. Criteria: Invitae Variant Classification Sherloc (09022015). Collection method: clinical testing. Allele origin: germline.
Comment: This sequence change affects codon 315 of the CLCN6 mRNA. It is a 'silent' change, meaning that it does not change the encoded amino acid sequence of the CLCN6 protein. This variant is present in population databases (rs765120680, gnomAD 0.007%). This variant has not been reported in the literature in individuals affected with CLCN6-related conditions. ClinVar contains an entry for this variant (Variation ID: 2068490). Algorithms developed to predict the effect of sequence changes on RNA splicing suggest that this variant may create or strengthen a splice site. In summary, the available evidence is currently insufficient to determine the role of this variant in disease. Therefore, it has been classified as a Variant of Uncertain Significance.